The following is an entry in ClinVar:

NM_003737.4(DCHS1):c.7846C>G (p.Pro2616Ala)

Gene: DCHS1 (dachsous cadherin-related 1; minus strand). Cytogenetic location: 11p15.4.
Variant type: single nucleotide variant.
Coding change: c.7846C>G on transcript NM_003737.4 (MANE Select); coding-DNA position 7846, C replaced by G.
Protein change: p.Pro2616Ala; replaces proline 2616 with alanine.
Molecular consequence: missense variant.
Genome position (GRCh38, 1-based): chr11:6,623,830, G>C on the plus strand (C>G on the coding strand, the complement: DCHS1 is on the minus strand). VCF-style: chr11-6623830-G-C. GRCh37 (hg19) VCF-style: chr11-6645061-G-C.
Other names: c.7846C>G (NM_003737.2); short protein forms P2616A.
Identifiers: ClinVar variation 596686 (VCV000596686.23), dbSNP rs150354113, ClinGen allele CA5859530.
Genomic context (GRCh38, chr11:6,623,830, plus strand): 5'-GGCCATGAGGGCCAGGGTCAGCGTCAGAGGCCTCTACATGCAGCAGCTCAGCTCCAACAG[G>C]TGTGTCCTCAGGTACTGTCACACGGTAGGATGCTCGGGTAAAGACAGGTGGGTTGTCATT-3'
Protein context (NP_003728.1, residues 2606-2626): SYRVTVPEDT[Pro2616Ala]VGAELLHVEA

ClinVar aggregate classification (germline): Conflicting classifications of pathogenicity. Review status: criteria provided, conflicting classifications (1 of 4 stars). 6 submissions from 6 submitters: Uncertain significance (2); Likely benign (3). 1 of the submissions does not count toward it. Last evaluated 2026-02-17.

Conditions:
Inborn genetic diseases. Identifiers: MedGen C0950123, MeSH D030342.
DCHS1-related disorder. Also called: DCHS1-related condition.

Allele frequency attached by ClinVar (database versions not stated): gnomAD exomes 0.00019; 1000 Genomes Project 30x 0.00031; 1000 Genomes Project 0.00040; TOPMed 0.00082; ESP Exome Variant Server 0.00108.
gnomAD v4.1: 234 of 1,613,604 alleles (0.015%); highest among the groups gnomAD compares: African/African-American, 0.27%; no homozygotes.

Submissions (6):

Women's Health and Genetics/Laboratory Corporation of America, LabCorp
Classification: Likely benign. Last evaluated: 2026-02-17. Review status: criteria provided, single submitter. Criteria: LabCorp Variant Classification Summary - May 2015. Collection method: clinical testing. Allele origin: germline.
Comment: Variant summary: DCHS1 c.7846C>G (p.Pro2616Ala) results in a non-conservative amino acid change in the encoded protein sequence. Algorithms developed to predict the effect of missense changes on protein structure and function are either unavailable or do not agree on the potential impact of this missense change. The variant allele was found at a frequency of 0.00019 in 250980 control chromosomes, predominantly at a frequency of 0.0028 within the African or African-American subpopulation in the gnomAD database. The observed variant frequency within African or African-American control individuals in the gnomAD database exceeds the estimated maximal expected allele frequency for disease-causing variants in DCHS1. To our knowledge, no occurrence of c.7846C>G in individuals affected with DCHS1-related conditions and no experimental evidence demonstrating its impact on protein function have been reported. ClinVar contains an entry for this variant (Variation ID: 596686). Based on the evidence outlined above, the variant was classified as likely benign.

Labcorp Genetics (formerly Invitae), Labcorp
Classification: Likely benign. Last evaluated: 2026-01-25. Review status: criteria provided, single submitter. Criteria: Invitae Variant Classification Sherloc (09022015). Collection method: clinical testing. Allele origin: germline.

GeneDx
Classification: Uncertain significance. Last evaluated: 2025-10-15. Review status: criteria provided, single submitter. Criteria: GeneDx Variant Classification Process June 2021. Collection method: clinical testing. Allele origin: germline. Affected: yes.
Comment: In silico analysis supports that this missense variant has a deleterious effect on protein structure/function; Has not been previously published as pathogenic or benign to our knowledge

Ambry Genetics
Classification: Likely benign for Inborn genetic diseases. Last evaluated: 2021-12-17. Review status: criteria provided, single submitter. Criteria: Ambry Variant Classification Scheme 2023. Collection method: clinical testing. Allele origin: germline.

Eurofins Ntd Llc (ga)
Classification: Uncertain significance. Last evaluated: 2018-03-22. Review status: criteria provided, single submitter. Criteria: EGL ClinVar v180209 classification definitions. Collection method: clinical testing. Allele origin: germline. Observed: 1 variant allele, 1 heterozygote.

PreventionGenetics, part of Exact Sciences
Classification: Likely benign for DCHS1-related condition. Last evaluated: 2022-02-28. Review status: no assertion criteria provided. Collection method: clinical testing. Allele origin: germline. Not counted in ClinVar's aggregate classification.
Comment: This variant is classified as likely benign based on ACMG/AMP sequence variant interpretation guidelines (Richards et al. 2015 PMID: 25741868, with internal and published modifications).